The following is an entry in ClinVar:

NM_001199267.2(DGKZ):c.229A>G (p.Ser77Gly)

Gene: DGKZ (diacylglycerol kinase zeta; plus strand). Cytogenetic location: 11p11.2.
Variant type: single nucleotide variant.
Coding change: c.229A>G on transcript NM_001199267.2 (MANE Select); coding-DNA position 229, A replaced by G.
Protein change: p.Ser77Gly; replaces serine 77 with glycine.
Molecular consequence: missense variant.
Genome position (GRCh38, 1-based): chr11:46,367,358, A>G. VCF-style: chr11-46367358-A-G. GRCh37 (hg19) VCF-style: chr11-46388908-A-G.
Other names: c.796A>G, p.Ser266Gly (NM_001105540.2); c.229A>G, p.Ser77Gly (NM_001199266.2, NM_001199268.2, NM_003646.4); c.280A>G, p.Ser94Gly (NM_201532.3); c.244A>G, p.Ser82Gly (NM_201533.3); short protein forms S77G, S266G, S94G, S82G.
Identifiers: ClinVar variation 2969128 (VCV002969128.3), dbSNP rs1222140271, ClinGen allele CA380212881.

ClinVar aggregate classification (germline): Uncertain significance (1 of 4 stars; one submission).

Allele frequency attached by ClinVar (database versions not stated): gnomAD 0.00001; gnomAD exomes 0.00001; TOPMed 0.00002.
gnomAD v4.1: 15 of 1,613,056 alleles (0.00093%); highest among the groups gnomAD compares: African/African-American, 0.0013%; no homozygotes.

Submission:

Labcorp Genetics (formerly Invitae), Labcorp
Classification: Uncertain significance. Last evaluated: 2023-11-13. Review status: criteria provided, single submitter. Criteria: Invitae Variant Classification Sherloc (09022015). Collection method: clinical testing. Allele origin: germline.
Comment: This sequence change replaces serine, which is neutral and polar, with glycine, which is neutral and non-polar, at codon 266 of the DGKZ protein (p.Ser266Gly). This variant is not present in population databases (gnomAD no frequency). This variant has not been reported in the literature in individuals affected with DGKZ-related conditions. Algorithms developed to predict the effect of missense changes on protein structure and function output the following: SIFT: "Not Available"; PolyPhen-2: "Benign"; Align-GVGD: "Not Available". The glycine amino acid residue is found in multiple mammalian species, which suggests that this missense change does not adversely affect protein function. In summary, the available evidence is currently insufficient to determine the role of this variant in disease. Therefore, it has been classified as a Variant of Uncertain Significance.